The following is an entry in ClinVar:

ClinVar aggregate classification (germline): Pathogenic (1 of 4 stars; one submission).

Submission:

Labcorp Genetics (formerly Invitae), Labcorp
Classification: Pathogenic. Last evaluated: 2024-06-04. Review status: criteria provided, single submitter. Criteria: Invitae Variant Classification Sherloc (09022015). Collection method: clinical testing. Allele origin: germline.
Comment: This sequence change creates a premature translational stop signal (p.Tyr61*) in the SFRP4 gene. It is expected to result in an absent or disrupted protein product. Loss-of-function variants in SFRP4 are known to be pathogenic (PMID: 27355534). This variant is present in population databases (rs766508176, gnomAD 0.004%). This premature translational stop signal has been observed in individual(s) with Pyle disease (PMID: 28100910). For these reasons, this variant has been classified as Pathogenic.

Literature cited by the submitters: PubMed 27355534; PubMed 28100910.

NM_003014.4(SFRP4):c.180_182dup (p.Tyr61Ter)

Gene: SFRP4 (secreted frizzled related protein 4; minus strand). Cytogenetic location: 7p14.1.
Variant type: Duplication.
Coding change: c.180_182dup on transcript NM_003014.4 (MANE Select); coding-DNA positions 180 to 182, 3 bases duplicated (GTA; older notation c.180_182dupGTA).
Protein change: p.Tyr61Ter; replaces tyrosine 61 with a stop codon.
Molecular consequence: nonsense.
Genome position (GRCh38, 1-based): chr7:37,916,356-37,916,358, TAC duplicated on the plus strand (GTA on the coding strand, the reverse complement: SFRP4 is on the minus strand); duplicating any 3 consecutive bases within chr7:37,916,356-37,916,359 gives the same sequence; the c. name uses the placement nearest the transcript's 3' end. VCF-style (leftmost placement, unchanged base first): chr7-37916355-G-GTAC. GRCh37 (hg19) VCF-style: chr7-37955957-G-GTAC.
Other names: short protein forms Y61*.
Identifiers: ClinVar variation 3621877 (VCV003621877.2).
Genomic context (GRCh38, chr7:37,916,355, plus strand): 5'-GTACATGGCACAGAGGAAGAAGCGCAGCACGGCGCTGCAGTTCACGTCCACCAGCTCCTC[G>GTAC]TACTGCTCGATGGCCAGGATGGCGTTCTCCTGCGTGCTGTGGTGCAGGTGGTTGGGCATC-3'